The following is an entry in ClinVar:

ClinVar aggregate classification (germline): Uncertain significance. Review status: criteria provided, multiple submitters, no conflicts (2 of 4 stars). 2 submissions from 2 submitters: Uncertain significance (2). Last evaluated 2025-08-11.

Conditions:
Epileptic encephalopathy. Identifiers: MedGen C0543888, HP:0200134.

Submissions (2):

GeneDx
Classification: Uncertain significance. Last evaluated: 2025-08-11. Review status: criteria provided, single submitter. Criteria: GeneDx Variant Classification Process June 2021. Collection method: clinical testing. Allele origin: germline. Affected: yes.
Comment: Not observed at significant frequency in large population cohorts (gnomAD); In silico analysis supports that this missense variant has a deleterious effect on protein structure/function; Has not been previously published as pathogenic or benign to our knowledge

Labcorp Genetics (formerly Invitae), Labcorp
Classification: Uncertain significance for Epileptic encephalopathy. Last evaluated: 2020-03-17. Review status: criteria provided, single submitter. Criteria: Invitae Variant Classification Sherloc (09022015). Collection method: clinical testing. Allele origin: germline.
Comment: This sequence change replaces glycine with aspartic acid at codon 413 of the GABBR2 protein (p.Gly413Asp). The glycine residue is highly conserved and there is a moderate physicochemical difference between glycine and aspartic acid. This variant is not present in population databases (ExAC no frequency). This variant has not been reported in the literature in individuals with GABBR2-related conditions. Algorithms developed to predict the effect of missense changes on protein structure and function are either unavailable or do not agree on the potential impact of this missense change (SIFT: "Deleterious"; PolyPhen-2: "Probably Damaging"; Align-GVGD: "Class C0"). In summary, the available evidence is currently insufficient to determine the role of this variant in disease. Therefore, it has been classified as a Variant of Uncertain Significance.

NM_005458.8(GABBR2):c.1238G>A (p.Gly413Asp)

Gene: GABBR2 (gamma-aminobutyric acid type B receptor subunit 2; minus strand). Cytogenetic location: 9q22.33.
Variant type: single nucleotide variant.
Coding change: c.1238G>A on transcript NM_005458.8 (MANE Select); coding-DNA position 1238, G replaced by A.
Protein change: p.Gly413Asp; replaces glycine 413 with aspartic acid.
Molecular consequence: missense variant.
Genome position (GRCh38, 1-based): chr9:98,406,140, C>T on the plus strand (G>A on the coding strand, the complement: GABBR2 is on the minus strand). VCF-style: chr9-98406140-C-T. GRCh37 (hg19) VCF-style: chr9-101168422-C-T.
Other names: c.1238G>A (NM_005458.7); short protein forms G413D.
Identifiers: ClinVar variation 1061551 (VCV001061551.10), dbSNP rs2131529814, ClinGen allele CA374213177.